The following is an entry in ClinVar:

NM_001330260.2(SCN8A):c.4409A>C (p.Gln1470Pro)

Gene: SCN8A (sodium voltage-gated channel alpha subunit 8; plus strand). Cytogenetic location: 12q13.13.
Variant type: single nucleotide variant.
Coding change: c.4409A>C on transcript NM_001330260.2 (MANE Select); coding-DNA position 4409, A replaced by C.
Protein change: p.Gln1470Pro; replaces glutamine 1470 with proline.
Molecular consequence: missense variant.
Genome position (GRCh38, 1-based): chr12:51,789,408, A>C. VCF-style: chr12-51789408-A-C. GRCh37 (hg19) VCF-style: chr12-52183192-A-C.
Other names: c.4286A>C, p.Gln1429Pro (NM_001177984.3, NM_001369788.1); c.4409A>C, p.Gln1470Pro (NM_014191.4); short protein forms Q1470P, Q1429P.
Identifiers: ClinVar variation 488588 (VCV000488588.7), dbSNP rs1555228771, ClinGen allele CA384908600.

ClinVar aggregate classification (germline): Conflicting classifications of pathogenicity. Review status: criteria provided, conflicting classifications (1 of 4 stars). 3 submissions from 3 submitters: Likely pathogenic (2); Uncertain significance (1). Last evaluated 2024-04-05.

Conditions:
Intellectual disability. Also called: Intellectual functioning disability; intellectual disabilities; Intellectual developmental disorder. Identifiers: MedGen C3714756, MeSH D008607, MONDO:0001071, HP:0001249.
Developmental and epileptic encephalopathy, 13 (DEE13). Also called: SCN8A-Related Epilepsy; Early infantile epileptic encephalopathy 13; Developmental and Epileptic Encephalopathy (SCN8A-DEE). Identifiers: Orphanet 442835, MedGen C3281191, MONDO:0013801, OMIM 614558.
Early-infantile DEE. Also called: Early infantile epileptic encephalopathy; Early infantile epileptic encephalopathy with suppression bursts; Ohtahara syndrome. Identifiers: Orphanet 1934, MedGen C0393706, MONDO:0800491.

Submissions (3):

Labcorp Genetics (formerly Invitae), Labcorp
Classification: Likely pathogenic for Early-infantile DEE. Last evaluated: 2024-04-05. Review status: criteria provided, single submitter. Criteria: Invitae Variant Classification Sherloc (09022015). Collection method: clinical testing. Allele origin: germline.
Comment: This sequence change replaces glutamine, which is neutral and polar, with proline, which is neutral and non-polar, at codon 1470 of the SCN8A protein (p.Gln1470Pro). This variant is not present in population databases (gnomAD no frequency). This variant has not been reported in the literature in individuals affected with SCN8A-related conditions. Advanced modeling of protein sequence and biophysical properties (such as structural, functional, and spatial information, amino acid conservation, physicochemical variation, residue mobility, and thermodynamic stability) performed at Invitae indicates that this missense variant is expected to disrupt SCN8A protein function with a positive predictive value of 95%. This variant disrupts the p.Gln1470 amino acid residue in SCN8A. Other variant(s) that disrupt this residue have been determined to be pathogenic (PMID: 28973083, 30078772, 31026061). This suggests that this residue is clinically significant, and that variants that disrupt this residue are likely to be disease-causing. In summary, the currently available evidence indicates that the variant is pathogenic, but additional data are needed to prove that conclusively. Therefore, this variant has been classified as Likely Pathogenic.

Cambridge Genomics Laboratory, East Genomic Laboratory Hub, NHS Genomic Medicine Service
Classification: Uncertain significance for Intellectual disability. Last evaluated: 2019-04-17. Review status: criteria provided, single submitter. Criteria: ACGS Best Practice Guidelines for Variant Classification in Rare Disease 2020. Collection method: clinical testing. Allele origin: germline. Affected: yes. Observed: 1 variant allele.

Institute of Human Genetics Munich, TUM University Hospital
Classification: Likely pathogenic for Developmental and epileptic encephalopathy, 13. Last evaluated: 2017-10-25. Review status: criteria provided, single submitter. Criteria: Classification criteria August 2017. Collection method: clinical testing. Allele origin: de novo. Inheritance: Autosomal dominant inheritance. Affected: yes. Observed: 1 heterozygote.

Literature cited by the submitters: PubMed 28973083 (cited by Labcorp Genetics (formerly Invitae), Labcorp); PubMed 30078772 (cited by Labcorp Genetics (formerly Invitae), Labcorp); PubMed 31026061 (cited by Labcorp Genetics (formerly Invitae), Labcorp).